The following is an entry in ClinVar:

ClinVar aggregate classification (germline): Uncertain significance. Review status: criteria provided, multiple submitters, no conflicts (2 of 4 stars). 2 submissions from 2 submitters: Uncertain significance (2). Last evaluated 2025-12-15.

Conditions:
Hereditary cancer-predisposing syndrome. Also called: Neoplastic Syndromes, Hereditary; Tumor predisposition; Hereditary Cancer Syndrome; Hereditary neoplastic syndrome. Identifiers: Orphanet 140162, MedGen C0027672, MeSH D009386, MONDO:0015356.
Ataxia-telangiectasia syndrome (AT). Also called: Cerebello-oculocutaneous telangiectasia; Immunodeficiency with ataxia telangiectasia; LOUIS-BAR SYNDROME; Ataxia-telangiectasia, complementation group D; AT, COMPLEMENTATION GROUP C; ATAXIA-TELANGIECTASIA, COMPLEMENTATION GROUP A. Identifiers: Orphanet 100, MedGen C0004135, MONDO:0008840, OMIM 208900.

Submissions (2):

Ambry Genetics
Classification: Uncertain significance for Hereditary cancer-predisposing syndrome. Last evaluated: 2025-12-15. Review status: criteria provided, single submitter. Criteria: Ambry Variant Classification Scheme 2023. Collection method: clinical testing. Allele origin: germline.
Comment: The p.Y264D variant (also known as c.790T>G), located in coding exon 6 of the ATM gene, results from a T to G substitution at nucleotide position 790. The tyrosine at codon 264 is replaced by aspartic acid, an amino acid with highly dissimilar properties. This amino acid position is conserved. In addition, the in silico prediction for this alteration is inconclusive. Based on the available evidence, the clinical significance of this variant remains unclear.

Labcorp Genetics (formerly Invitae), Labcorp
Classification: Uncertain significance for Ataxia-telangiectasia syndrome. Last evaluated: 2025-03-18. Review status: criteria provided, single submitter. Criteria: Invitae Variant Classification Sherloc (09022015). Collection method: clinical testing. Allele origin: germline.
Comment: This sequence change replaces tyrosine, which is neutral and polar, with aspartic acid, which is acidic and polar, at codon 264 of the ATM protein (p.Tyr264Asp). This variant is not present in population databases (gnomAD no frequency). This variant has not been reported in the literature in individuals affected with ATM-related conditions. ClinVar contains an entry for this variant (Variation ID: 2113626). Invitae Evidence Modeling of protein sequence and biophysical properties (such as structural, functional, and spatial information, amino acid conservation, physicochemical variation, residue mobility, and thermodynamic stability) indicates that this missense variant is not expected to disrupt ATM protein function with a negative predictive value of 95%. In summary, the available evidence is currently insufficient to determine the role of this variant in disease. Therefore, it has been classified as a Variant of Uncertain Significance.

NM_000051.4(ATM):c.790T>G (p.Tyr264Asp)

Gene: ATM (ATM serine/threonine kinase; plus strand). Cytogenetic location: 11q22.3.
Variant type: single nucleotide variant.
Coding change: c.790T>G on transcript NM_000051.4 (MANE Select); coding-DNA position 790, T replaced by G.
Protein change: p.Tyr264Asp; replaces tyrosine 264 with aspartic acid.
Molecular consequence: missense variant.
Genome position (GRCh38, 1-based): chr11:108,244,915, T>G. VCF-style: chr11-108244915-T-G. GRCh37 (hg19) VCF-style: chr11-108115642-T-G.
Other names: c.790T>G, p.Tyr264Asp (NM_001351834.2); short protein forms Y264D.
Identifiers: ClinVar variation 2113626 (VCV002113626.5), dbSNP rs1591504199, ClinGen allele CA382529348.
Genomic context (GRCh38, chr11:108,244,915, plus strand): 5'-GCTGTCAACTTTCGAATTCGAGTGTGTGAATTAGGAGATGAAATTCTTCCCACTTTGCTT[T>G]ATATTTGGACTCAACATAGGCTTAATGATTCTTTAAAAGAAGTCATTATTGAATTATTTC-3'
Protein context (NP_000042.3, residues 254-274): LGDEILPTLL[Tyr264Asp]IWTQHRLNDS